The following is an entry in ClinVar:

ClinVar aggregate classification (germline): Uncertain significance (1 of 4 stars; one submission).

Submission:

Dasa
Classification: Uncertain significance. Last evaluated: 2025-11-24. Review status: criteria provided, single submitter. Criteria: DASA Assertion Criteria. Collection method: clinical testing. Allele origin: germline.
Comment: NM_022455.5(NSD1):c.5361G>A (p.Met1787Ile) is a missense variant that results in the substitution of methionine with isoleucine. This variant is absent from population databases. Computational prediction algorithms are consistent with a deleterious effect. The currently available literature and clinical evidence are not sufficient to establish a definitive association between this variant and the reported condition. Therefore, this variant is classified as a variant of uncertain significance.

NM_022455.5(NSD1):c.5361G>A (p.Met1787Ile)

Genes: NSD1 (nuclear receptor binding SET domain protein 1; plus strand), LOC126807619 (MED14-independent group 3 enhancer GRCh37_chr5:176696443-176697642; plus strand). Cytogenetic location: 5q35.3.
Variant type: single nucleotide variant.
Coding change: c.5361G>A on transcript NM_022455.5 (MANE Select); coding-DNA position 5361, G replaced by A.
Protein change: p.Met1787Ile; replaces methionine 1787 with isoleucine.
Molecular consequence: missense variant.
Genome position (GRCh38, 1-based): chr5:177,269,659, G>A. VCF-style: chr5-177269659-G-A. GRCh37 (hg19) VCF-style: chr5-176696660-G-A.
Other names: c.4488G>A, p.Met1496Ile (NM_001365684.2, NM_001409308.1, NM_001409309.1 and 1 more transcripts); c.5361G>A, p.Met1787Ile (NM_001409301.1, NM_001409302.1, NM_001409303.1); c.4941G>A, p.Met1647Ile (NM_001409304.1); c.4608G>A, p.Met1536Ile (NM_001409305.1); c.4599G>A, p.Met1533Ile (NM_001409306.1, NM_001409307.1); short protein forms M1496I, M1533I, M1536I, M1647I, M1787I.
Identifiers: ClinVar variation 4886712 (VCV004886712.2).